The following is an entry in ClinVar:

ClinVar aggregate classification (germline): Likely pathogenic (0 of 4 stars; one submission).

Conditions:
Cohen syndrome (COH1). Also called: PEPPER SYNDROME; Cutis verticis gyrata, retinitis pigmentosa, and sensorineural deafness. Identifiers: Orphanet 193, MedGen C0265223, MONDO:0008999, OMIM 216550.

Submission:

Juha Muilu Group; Institute for Molecular Medicine Finland (FIMM)
Classification: Likely pathogenic for Cohen syndrome. Review status: no assertion criteria provided. Collection method: not provided. Allele origin: unknown.
Comment: FinDis database variant: This variant was not found or characterized by our laboratory, data were collected from public sources: see reference
ClinVar note: Converted during submission from probable-pathogenic to Likely pathogenic.

NM_152564.5(VPS13B):c.4399del (p.Ile1467fs)

Gene: VPS13B (vacuolar protein sorting 13 homolog B; plus strand). Cytogenetic location: 8q22.2.
Variant type: Deletion.
Coding change: c.4399del on transcript NM_152564.5 (MANE Select); coding-DNA position 4399, one base deleted (A; older notation c.4399delA).
Protein change: p.Ile1467fs; shifts the reading frame from isoleucine 1467.
Molecular consequence: frameshift variant.
Genome position (GRCh38, 1-based): chr8:99,511,278, A deleted; the last of 3 consecutive A bases (chr8:99,511,276-99,511,278); deleting any one gives the same sequence. VCF-style (leftmost placement, unchanged base first): chr8-99511275-GA-G. GRCh37 (hg19) VCF-style: chr8-100523503-GA-G.
Other names: c.4474delA (NM_017890.4); c.4474del, p.Ile1492fs (NM_017890.5); short protein forms I1467fs, I1492fs.
Identifiers: ClinVar variation 56665 (VCV000056665.2), dbSNP rs386834087, ClinGen allele CA264079.